The following is an entry in ClinVar:

ClinVar aggregate classification (germline): Pathogenic. Review status: criteria provided, multiple submitters, no conflicts (2 of 4 stars). 2 submissions from 2 submitters: Pathogenic (2). Last evaluated 2022-03-15.

Conditions:
Cockayne syndrome type 2 (CSB). Also called: Cockayne Syndrome, Type II; COCKAYNE SYNDROME B. Identifiers: Orphanet 191, Orphanet 90322, MedGen C0751038, MONDO:0019570, OMIM 133540.

Submissions (2):

Molecular Diagnostics Laboratory, M Health Fairview: University of Minnesota
Classification: Pathogenic for Cockayne syndrome type 2. Last evaluated: 2022-03-15. Review status: criteria provided, single submitter. Criteria: ACMG Guidelines, 2015. Collection method: clinical testing. Allele origin: germline. Affected: yes.

Labcorp Genetics (formerly Invitae), Labcorp
Classification: Pathogenic. Last evaluated: 2022-02-12. Review status: criteria provided, single submitter. Criteria: Invitae Variant Classification Sherloc (09022015). Collection method: clinical testing. Allele origin: germline.
Comment: This premature translational stop signal has been observed in individual(s) with clinical features of Cockayne syndrome (PMID: 30842647). This sequence change creates a premature translational stop signal (p.Glu284*) in the ERCC6 gene. It is expected to result in an absent or disrupted protein product. Loss-of-function variants in ERCC6 are known to be pathogenic (PMID: 18628313, 29572252). This variant is not present in population databases (gnomAD no frequency). For these reasons, this variant has been classified as Pathogenic.

Literature cited by the submitters: PubMed 30842647 (cited by Labcorp Genetics (formerly Invitae), Labcorp); PubMed 18628313 (cited by Labcorp Genetics (formerly Invitae), Labcorp); PubMed 29572252 (cited by Labcorp Genetics (formerly Invitae), Labcorp).

NM_000124.4(ERCC6):c.850G>T (p.Glu284Ter)

Gene: ERCC6 (ERCC excision repair 6, chromatin remodeling factor; minus strand). Cytogenetic location: 10q11.23.
Variant type: single nucleotide variant.
Coding change: c.850G>T on transcript NM_000124.4 (MANE Select); coding-DNA position 850, G replaced by T.
Protein change: p.Glu284Ter; replaces glutamic acid 284 with a stop codon.
Molecular consequence: nonsense.
Genome position (GRCh38, 1-based): chr10:49,524,580, C>A on the plus strand (G>T on the coding strand, the complement: ERCC6 is on the minus strand). VCF-style: chr10-49524580-C-A. GRCh37 (hg19) VCF-style: chr10-50732626-C-A.
Other names: p.Glu284*; c.850G>T, p.Glu284Ter (NM_001277058.2, NM_001277059.2, NM_001346440.2); short protein forms E284*.
Identifiers: ClinVar variation 1679951 (VCV001679951.7), dbSNP rs2132621608, ClinGen allele CA376754391.
Genomic context (GRCh38, chr10:49,524,580, plus strand): 5'-GCGTGACTGGGGCTGGAGCTTTTCTAGCTGCTCTTTTATTACAACCTTGCTTCTTCCTTT[C>A]AAAAGACAGTTTTGCTTGATCTGCCAAATACTTTTCGAAGCCTGATGCTTCATTAAGCAT-3'